The following is an entry in ClinVar:

NM_020719.3(PRR12):c.1232C>A (p.Ser411Ter)

Gene: PRR12 (proline rich 12; plus strand). Cytogenetic location: 19q13.33.
Variant type: single nucleotide variant.
Coding change: c.1232C>A on transcript NM_020719.3 (MANE Select); coding-DNA position 1232, C replaced by A.
Protein change: p.Ser411Ter; replaces serine 411 with a stop codon.
Molecular consequence: nonsense.
Genome position (GRCh38, 1-based): chr19:49,595,567, C>A. VCF-style: chr19-49595567-C-A. GRCh37 (hg19) VCF-style: chr19-50098824-C-A.
Other names: short protein forms S411*.
Identifiers: ClinVar variation 1676829 (VCV001676829.1), dbSNP rs1348922417, ClinGen allele CA406861712.

ClinVar aggregate classification (germline): Likely pathogenic (1 of 4 stars; one submission).

Conditions:
Neuroocular syndrome. Identifiers: MedGen C5551362, MONDO:0859193.

Submission:

SIB Swiss Institute of Bioinformatics
Classification: Likely pathogenic for Neuroocular syndrome 1. Last evaluated: 2022-03-18. Review status: criteria provided, single submitter. Criteria: ACMG Guidelines, 2015. Collection method: curation. Allele origin: unknown.
Comment: This variant is interpreted as likely pathogenic for Neuroocular syndrome, autosomal dominant. The following ACMG Tag(s) were applied: Absent from controls (or at extremely low frequency if recessive) in Exome Sequencing Project, 1000 Genomes Project, or Exome Aggregation Consortium (PM2); Predicted nullvariant in a gene where LOF is a known mechanism of disease (PVS1 downgraded to strong).

Literature cited by the submitters: PubMed 33824499.